The following is an entry in ClinVar:

ClinVar aggregate classification (germline): Uncertain significance (1 of 4 stars; one submission).

Conditions:
Progressive myoclonic epilepsy type 5. Identifiers: Orphanet 402082, MedGen C5190799.

Submission:

Labcorp Genetics (formerly Invitae), Labcorp
Classification: Uncertain significance for Progressive myoclonic epilepsy type 5. Last evaluated: 2021-10-29. Review status: criteria provided, single submitter. Criteria: Invitae Variant Classification Sherloc (09022015). Collection method: clinical testing. Allele origin: germline.
Comment: This sequence change replaces arginine, which is basic and polar, with tryptophan, which is neutral and slightly polar, at codon 541 of the PRICKLE2 protein (p.Arg541Trp). This variant is present in population databases (rs372400638, gnomAD 0.003%). This variant has not been reported in the literature in individuals affected with PRICKLE2-related conditions. Algorithms developed to predict the effect of missense changes on protein structure and function (SIFT, PolyPhen-2, Align-GVGD) all suggest that this variant is likely to be disruptive. In summary, the available evidence is currently insufficient to determine the role of this variant in disease. Therefore, it has been classified as a Variant of Uncertain Significance.

NM_198859.4(PRICKLE2):c.1621C>T (p.Arg541Trp)

Gene: PRICKLE2 (prickle planar cell polarity protein 2; minus strand). Cytogenetic location: 3p14.1.
Variant type: single nucleotide variant.
Coding change: c.1621C>T on transcript NM_198859.4 (MANE Select); coding-DNA position 1621, C replaced by T.
Protein change: p.Arg541Trp; replaces arginine 541 with tryptophan.
Molecular consequence: missense variant.
Genome position (GRCh38, 1-based): chr3:64,146,869, G>A on the plus strand (C>T on the coding strand, the complement: PRICKLE2 is on the minus strand). VCF-style: chr3-64146869-G-A. GRCh37 (hg19) VCF-style: chr3-64132545-G-A.
Other names: c.1621C>T, p.Arg541Trp (NM_001370528.1); short protein forms R541W.
Identifiers: ClinVar variation 1364037 (VCV001364037.6), dbSNP rs372400638, ClinGen allele CA2479591.